The following is an entry in ClinVar:

NM_006231.4(POLE):c.720+4A>C

Gene: POLE (DNA polymerase epsilon, catalytic subunit; minus strand). Cytogenetic location: 12q24.33.
Variant type: single nucleotide variant.
Coding change: c.720+4A>C on transcript NM_006231.4 (MANE Select); 4 bases into the intron after coding-DNA position 720, A replaced by C.
Molecular consequence: intron variant.
Genome position (GRCh38, 1-based): chr12:132,677,574, T>G on the plus strand (A>C on the coding strand, the complement: POLE is on the minus strand). VCF-style: chr12-132677574-T-G. GRCh37 (hg19) VCF-style: chr12-133254160-T-G.
Identifiers: ClinVar variation 659815 (VCV000659815.14), dbSNP rs990057702, ClinGen allele CA915946766.
Genomic context (GRCh38, chr12:132,677,574, plus strand): 5'-TAATGATCATCTCCTGGCTGTTAGGAAATTCATGTGAGCAGCGACCCAACCCTGCCCCAC[T>G]CACCACGTGGATCTTCAGGTCAATGGAGAGGCGGATGTGGTAGGGAACATCGTACTCGCG-3'

ClinVar aggregate classification (germline): Uncertain significance. Review status: criteria provided, multiple submitters, no conflicts (2 of 4 stars). 2 submissions from 2 submitters: Uncertain significance (2). Last evaluated 2026-01-08.

Conditions:
Hereditary cancer-predisposing syndrome. Also called: Neoplastic Syndromes, Hereditary; Hereditary neoplastic syndrome; Tumor predisposition; Hereditary Cancer Syndrome. Identifiers: Orphanet 140162, MedGen C0027672, MeSH D009386, MONDO:0015356.

Allele frequency attached by ClinVar (database versions not stated): gnomAD exomes below 0.00001.
gnomAD v4.1: 1 of 1,614,140 alleles (0.000062%); highest among the groups gnomAD compares: Non-Finnish European, 0.000085%; no homozygotes.

Submissions (2):

Ambry Genetics
Classification: Uncertain significance for Hereditary cancer-predisposing syndrome. Last evaluated: 2026-01-08. Review status: criteria provided, single submitter. Criteria: Ambry Variant Classification Scheme 2023. Collection method: clinical testing. Allele origin: germline.
Comment: The c.720+4A>C intronic variant results from an A to C substitution 4 nucleotides after coding exon 7 in the POLE gene. This nucleotide position is highly conserved in available vertebrate species. In silico splice site analysis predicts that this alteration will not have any significant effect on splicing. Based on the available evidence, the clinical significance of this variant remains unclear.

Labcorp Genetics (formerly Invitae), Labcorp
Classification: Uncertain significance. Last evaluated: 2025-11-08. Review status: criteria provided, single submitter. Criteria: Invitae Variant Classification Sherloc (09022015). Collection method: clinical testing. Allele origin: germline.
Comment: This sequence change falls in intron 7 of the POLE gene. It does not directly change the encoded amino acid sequence of the POLE protein. It affects a nucleotide within the consensus splice site. This variant is not present in population databases (gnomAD no frequency). This variant has not been reported in the literature in individuals affected with POLE-related conditions. ClinVar contains an entry for this variant (Variation ID: 659815). Variants that disrupt the consensus splice site are a relatively common cause of aberrant splicing (PMID: 17576681, 9536098). Algorithms developed to predict the effect of sequence changes on RNA splicing suggest that this variant is not likely to affect RNA splicing. In summary, the available evidence is currently insufficient to determine the role of this variant in disease. Therefore, it has been classified as a Variant of Uncertain Significance.

Literature cited by the submitters: PubMed 17576681 (cited by Labcorp Genetics (formerly Invitae), Labcorp); PubMed 9536098 (cited by Labcorp Genetics (formerly Invitae), Labcorp).